The following is an entry in ClinVar:

ClinVar aggregate classification (germline): Uncertain significance (1 of 4 stars; one submission).

Conditions:
Melanoma, cutaneous malignant, susceptibility to, 5. Also called: Cutaneous malignant melanoma 5. Identifiers: Orphanet 618, MedGen C2751295, MONDO:0013133, OMIM 613099.

Allele frequency attached by ClinVar (database versions not stated): ExAC 0.00001; gnomAD exomes 0.00001; gnomAD 0.00002; TOPMed 0.00002.

Submission:

Labcorp Genetics (formerly Invitae), Labcorp
Classification: Uncertain significance for Melanoma, cutaneous malignant, susceptibility to, 5. Last evaluated: 2024-03-07. Review status: criteria provided, single submitter. Criteria: Invitae Variant Classification Sherloc (09022015). Collection method: clinical testing. Allele origin: germline.
Comment: This sequence change replaces glycine, which is neutral and non-polar, with aspartic acid, which is acidic and polar, at codon 255 of the MC1R protein (p.Gly255Asp). This variant is present in population databases (rs760466103, gnomAD 0.006%). This variant has not been reported in the literature in individuals affected with MC1R-related conditions. ClinVar contains an entry for this variant (Variation ID: 935677). Advanced modeling of protein sequence and biophysical properties (such as structural, functional, and spatial information, amino acid conservation, physicochemical variation, residue mobility, and thermodynamic stability) performed at Invitae indicates that this missense variant is expected to disrupt MC1R protein function with a positive predictive value of 80%. Experimental studies have shown that this missense change affects MC1R function (PMID: 27229376). In summary, the available evidence is currently insufficient to determine the role of this variant in disease. Therefore, it has been classified as a Variant of Uncertain Significance.

Literature cited by the submitters: PubMed 27229376.

NM_002386.4(MC1R):c.764G>A (p.Gly255Asp)

Gene: MC1R (melanocortin 1 receptor; plus strand). Cytogenetic location: 16q24.3.
Variant type: single nucleotide variant.
Coding change: c.764G>A on transcript NM_002386.4 (MANE Select); coding-DNA position 764, G replaced by A.
Protein change: p.Gly255Asp; replaces glycine 255 with aspartic acid.
Molecular consequence: missense variant.
Genome position (GRCh38, 1-based): chr16:89,920,022, G>A. VCF-style: chr16-89920022-G-A. GRCh37 (hg19) VCF-style: chr16-89986430-G-A.
Other names: short protein forms G255D.
Identifiers: ClinVar variation 935677 (VCV000935677.9), dbSNP rs760466103, ClinGen allele CA8255737.